The following is an entry in ClinVar:

NM_130837.3(OPA1):c.610+360G>A

Gene: OPA1 (OPA1 mitochondrial dynamin like GTPase; plus strand). Cytogenetic location: 3q29.
Variant type: single nucleotide variant.
Coding change: c.610+360G>A on transcript NM_130837.3 (MANE Select); 360 bases into the intron after coding-DNA position 610, G replaced by A.
Molecular consequence: intron variant.
Genome position (GRCh38, 1-based): chr3:193,618,197, G>A. VCF-style: chr3-193618197-G-A. GRCh37 (hg19) VCF-style: chr3-193335986-G-A.
Other names: c.185-672G>A (NM_001354664.2); c.77-672G>A (NM_001354663.2); c.610+360G>A (NM_130834.3, NM_130837.2); c.557-672G>A (NM_130836.3, NM_015560.3); c.502+360G>A (NM_130835.3, NM_130832.3); c.449-672G>A (NM_130833.3, NM_130831.3).
Identifiers: ClinVar variation 496969 (VCV000496969.34), dbSNP rs1553872542, ClinGen allele CA658796406.

ClinVar aggregate classification (germline): Conflicting classifications of pathogenicity. Review status: criteria provided, conflicting classifications (1 of 4 stars). 5 submissions from 5 submitters: Likely pathogenic (2); Uncertain significance (1). 2 of the submissions do not count toward it. Last evaluated 2026-01-01.

Conditions:
OPA1-related disorder. Also called: OPA1-related disorders; OPA1-related condition.
Optic atrophy with or without deafness, ophthalmoplegia, myopathy, ataxia, and neuropathy. Also called: OPTIC ATROPHY PLUS SYNDROME. Identifiers: MedGen C3276549, MONDO:0007429, OMIM 125250.

gnomAD v4.1: 1 of 151,948 alleles (0.00066%); highest among the groups gnomAD compares: African/African-American, 0.0024%; no homozygotes.

Submissions (5):

CeGaT Center for Human Genetics Tuebingen
Classification: Likely pathogenic. Last evaluated: 2026-01-01. Review status: criteria provided, single submitter. Criteria: CeGaT Center For Human Genetics Tuebingen Variant Classification Criteria Version 2. Collection method: clinical testing. Allele origin: germline. Affected: yes. Observed: 2 variant alleles.
Comment: OPA1: PM2, PS3:Moderate, PS4:Moderate

Blueprint Genetics
Classification: Likely pathogenic for OPA1-related disorders. Last evaluated: 2020-02-03. Review status: criteria provided, single submitter. Criteria: ACMG Guidelines, 2015. Collection method: clinical testing. Allele origin: germline. Affected: yes. Observed: 2 variant alleles.

Eurofins Ntd Llc (ga)
Classification: Uncertain significance. Last evaluated: 2016-12-08. Review status: criteria provided, single submitter. Criteria: EGL Classification Definitions 2015. Collection method: clinical testing. Allele origin: germline.

PreventionGenetics, part of Exact Sciences
Classification: Uncertain significance for OPA1-related condition. Last evaluated: 2023-12-24. Review status: no assertion criteria provided. Collection method: clinical testing. Allele origin: germline. Not counted in ClinVar's aggregate classification.
Comment: The OPA1 c.610+360G>A variant is predicted to interfere with splicing. This variant is located in a deep intronic region (intron 4b) and has been reported in two patients with optic atrophy without extraocular neurodegeneration (Bonifert et al. 2014. PubMed ID: 24970096). Of note, another variant in this region (c.610+364G>A), has also been reported in patients with optic atrophy. Functional studies of the c.610+360G>A and c.610+364G>A showed that both variants introduce a cryptic splice site which leads to aberrant splicing of OPA1. Additional data to support the pathogenicity of the c.610+360G>A variant was not provided (Bonifert et al. 2014. PubMed ID: 24970096). This variant has not been reported in a large population database, indicating this variant is rare. Although we suspect that this variant may be pathogenic, at this time, the clinical significance of this variant is uncertain due to the absence of conclusive functional and genetic evidence.

Genomics England Pilot Project, Genomics England
Classification: Pathogenic for Optic atrophy with or without deafness, ophthalmoplegia, myopathy, ataxia, and neuropathy. Review status: no assertion criteria provided. Criteria: ACGS Guidelines, 2016. Collection method: clinical testing. Allele origin: germline. Affected: yes. Not counted in ClinVar's aggregate classification.